The following is an entry in ClinVar:

ClinVar aggregate classification (germline): Uncertain significance. Review status: criteria provided, multiple submitters, no conflicts (2 of 4 stars). 4 submissions from 4 submitters: Uncertain significance (4). Last evaluated 2024-08-21.

Conditions:
Hereditary cancer-predisposing syndrome. Also called: Neoplastic Syndromes, Hereditary; Tumor predisposition; Hereditary neoplastic syndrome; Hereditary Cancer Syndrome. Identifiers: Orphanet 140162, MedGen C0027672, MeSH D009386, MONDO:0015356.
Familial adenomatous polyposis 1 (FAP1). Also called: FAMILIAL ADENOMATOUS POLYPOSIS 1, ATTENUATED; POLYPOSIS, ADENOMATOUS INTESTINAL. Identifiers: MedGen C2713442, MONDO:0021056, OMIM 175100. Disease mechanism: loss of function.

Allele frequency attached by ClinVar (database versions not stated): gnomAD exomes below 0.00001; TOPMed below 0.00001; gnomAD 0.00001.
gnomAD v4.1: 2 of 1,613,946 alleles (0.00012%); highest among the groups gnomAD compares: African/African-American, 0.0027%; no homozygotes.

Submissions (4):

Labcorp Genetics (formerly Invitae), Labcorp
Classification: Uncertain significance for Familial adenomatous polyposis 1. Last evaluated: 2024-08-21. Review status: criteria provided, single submitter. Criteria: Invitae Variant Classification Sherloc (09022015). Collection method: clinical testing. Allele origin: germline.
Comment: This sequence change replaces proline, which is neutral and non-polar, with glutamine, which is neutral and polar, at codon 1440 of the APC protein (p.Pro1440Gln). This variant is present in population databases (no rsID available, gnomAD 0.01%). This variant has not been reported in the literature in individuals affected with APC-related conditions. ClinVar contains an entry for this variant (Variation ID: 580656). Invitae Evidence Modeling of protein sequence and biophysical properties (such as structural, functional, and spatial information, amino acid conservation, physicochemical variation, residue mobility, and thermodynamic stability) indicates that this missense variant is not expected to disrupt APC protein function with a negative predictive value of 95%. In summary, the available evidence is currently insufficient to determine the role of this variant in disease. Therefore, it has been classified as a Variant of Uncertain Significance.

Ambry Genetics
Classification: Uncertain significance for Hereditary cancer-predisposing syndrome. Last evaluated: 2024-04-19. Review status: criteria provided, single submitter. Criteria: Ambry Variant Classification Scheme 2023. Collection method: clinical testing. Allele origin: germline.
Comment: The p.P1440Q variant (also known as c.4319C>A), located in coding exon 15 of the APC gene, results from a C to A substitution at nucleotide position 4319. The proline at codon 1440 is replaced by glutamine, an amino acid with similar properties. This amino acid position is conserved. In addition, in silico predictors for this gene do not accurately predict pathogenicity. Since supporting evidence is limited at this time, the clinical significance of this alteration remains unclear.

Baylor Genetics
Classification: Uncertain significance for Familial adenomatous polyposis 1. Last evaluated: 2024-01-22. Review status: criteria provided, single submitter. Criteria: ACMG Guidelines, 2015. Collection method: clinical testing. Allele origin: unknown.

Color Diagnostics, LLC DBA Color Health
Classification: Uncertain significance for Hereditary cancer-predisposing syndrome. Last evaluated: 2023-12-05. Review status: criteria provided, single submitter. Criteria: ACMG Guidelines, 2015. Collection method: clinical testing. Allele origin: germline.
Comment: This missense variant replaces proline with glutamine at codon 1440 of the APC protein. Computational prediction is inconclusive regarding the impact of this variant on protein structure and function (internally defined REVEL score threshold 0.5 < inconclusive < 0.7, PMID: 27666373). To our knowledge, functional studies have not been reported for this variant. This variant has not been reported in individuals affected with APC-related disorders in the literature. This variant has been identified in 1/31380 chromosomes in the general population by the Genome Aggregation Database (gnomAD). The available evidence is insufficient to determine the role of this variant in disease conclusively. Therefore, this variant is classified as a Variant of Uncertain Significance.

NM_000038.6(APC):c.4319C>A (p.Pro1440Gln)

Gene: APC (APC regulator of Wnt signaling pathway; plus strand). Cytogenetic location: 5q22.2.
Variant type: single nucleotide variant.
Coding change: c.4319C>A on transcript NM_000038.6 (MANE Select); coding-DNA position 4319, C replaced by A.
Protein change: p.Pro1440Gln; replaces proline 1440 with glutamine.
Molecular consequence: missense variant.
Genome position (GRCh38, 1-based): chr5:112,839,913, C>A. VCF-style: chr5-112839913-C-A. GRCh37 (hg19) VCF-style: chr5-112175610-C-A.
Other names: c.4319C>A, p.Pro1440Gln (NM_001127510.3, NM_001354895.2); c.4265C>A, p.Pro1422Gln (NM_001127511.3); c.4373C>A, p.Pro1458Gln (NM_001354896.2); c.4349C>A, p.Pro1450Gln (NM_001354897.2); c.4244C>A, p.Pro1415Gln (NM_001354898.2); c.4235C>A, p.Pro1412Gln (NM_001354899.2); c.4196C>A, p.Pro1399Gln (NM_001354900.2); c.4142C>A, p.Pro1381Gln (NM_001354901.2); and 5 more; short protein forms P1422Q, P1440Q, P1381Q, P1412Q, P1415Q, P1450Q, P1458Q, P1399Q.
Identifiers: ClinVar variation 580656 (VCV000580656.17), dbSNP rs1389942947, ClinGen allele CA16030798.